The following is an entry in ClinVar:

ClinVar aggregate classification (germline): Benign/Likely benign. Review status: criteria provided, multiple submitters, no conflicts (2 of 4 stars). 4 submissions from 2 submitters: Benign (1); Likely benign (3). Last evaluated 2021-06-17.

Conditions:
Pyruvate dehydrogenase E3 deficiency (DLDD). Also called: Dihydrolipoamide Dehydrogenase (E3) Deficiency; Lipoamide dehydrogenase deficiency, lactic acidosis due to; Lipoamide dehydrogenase deficiency; Dihydrolipoamide Dehydrogenase Deficiency; MAPLE SYRUP URINE DISEASE, TYPE III; DLD DEFICIENCY. Identifiers: Orphanet 2394, Orphanet 765, MedGen C5574660, MONDO:0009529, OMIM 246900.
Leigh syndrome (NULS). Also called: Leigh's syndrome; LEIGH SYNDROME, NUCLEAR; Leigh's necrotizing encephalopathy; Leigh's disease; Leigh Syndrome (mtDNA deletion); Leigh Disease. Identifiers: Orphanet 506, MedGen C2931891, MONDO:0009723, OMIM 256000.
Pyruvate dehydrogenase complex deficiency (PDHC). Also called: PDH DEFICIENCY; PYRUVATE DECARBOXYLASE DEFICIENCY; Pyruvate Dehydrogenase Complex Deficiency Disease; Pyruvate dehydrogenase deficiency; Ataxia with lactic acidosis 1. Identifiers: Orphanet 765, Orphanet 79243, MedGen C0034345, MONDO:0019169.

Allele frequency attached by ClinVar (database versions not stated): gnomAD 0.00443 and 0.00479; TOPMed 0.00504; 1000 Genomes Project 0.00519; 1000 Genomes Project 30x 0.00531.

Submissions (4):

GeneDx
Classification: Likely benign. Last evaluated: 2021-06-17. Review status: criteria provided, single submitter. Criteria: GeneDx Variant Classification Process June 2021. Collection method: clinical testing. Allele origin: germline. Affected: yes.

Illumina Laboratory Services, Illumina
Classification: Benign for Pyruvate dehydrogenase E3 deficiency. Last evaluated: 2018-01-13. Review status: criteria provided, single submitter. Criteria: ICSL Variant Classification Criteria 13 December 2019. Collection method: clinical testing. Allele origin: germline.
Comment: This variant was observed in the ICSL laboratory as part of a predisposition screen in an ostensibly healthy population. It had not been previously curated by ICSL or reported in the Human Gene Mutation Database (HGMD: prior to June 1st, 2018), and was therefore a candidate for classification through an automated scoring system. Utilizing variant allele frequency, disease prevalence and penetrance estimates, and inheritance mode, an automated score was calculated to assess if this variant is too frequent to cause the disease. Based on the score and internal cut-off values, a variant classified as benign is not then subjected to further curation. The score for this variant resulted in a classification of benign for this disease.

Illumina Laboratory Services, Illumina
Classification: Likely benign for Leigh syndrome. Last evaluated: 2018-01-13. Review status: criteria provided, single submitter. Criteria: ICSL Variant Classification Criteria 13 December 2019. Collection method: clinical testing. Allele origin: germline.
Comment: This variant was observed in the ICSL laboratory as part of a predisposition screen in an ostensibly healthy population. It had not been previously curated by ICSL or reported in the Human Gene Mutation Database (HGMD: prior to June 1st, 2018), and was therefore a candidate for classification through an automated scoring system. Utilizing variant allele frequency, disease prevalence and penetrance estimates, and inheritance mode, an automated score was calculated to assess if this variant is too frequent to cause the disease. Based on the score and internal cut-off values, a variant classified as likely benign is not then subjected to further curation. The score for this variant resulted in a classification of likely benign for this disease.

Illumina Laboratory Services, Illumina
Classification: Likely benign for Pyruvate dehydrogenase complex deficiency. Last evaluated: 2018-01-13. Review status: criteria provided, single submitter. Criteria: ICSL Variant Classification Criteria 13 December 2019. Collection method: clinical testing. Allele origin: germline.
Comment: the same text as in the submission from Illumina Laboratory Services, Illumina above.

NM_000108.5(DLD):c.*474T>C

Gene: DLD (dihydrolipoamide dehydrogenase; plus strand). Cytogenetic location: 7q31.1.
Variant type: single nucleotide variant.
Coding change: c.*474T>C on transcript NM_000108.5 (MANE Select); 474 bases downstream of the stop codon, T replaced by C.
Molecular consequence: 3 prime UTR variant.
Genome position (GRCh38, 1-based): chr7:107,919,733, T>C. VCF-style: chr7-107919733-T-C. GRCh37 (hg19) VCF-style: chr7-107560178-T-C.
Other names: c.*474T>C (NM_001289750.1, NM_001289751.1, NM_001289752.1).
Identifiers: ClinVar variation 909455 (VCV000909455.5), dbSNP rs16872391, ClinGen allele CA164259238.